The following is an entry in ClinVar:

NM_000612.6(IGF2):c.157+5G>A

Genes: IGF2 (insulin like growth factor 2; minus strand), INS-IGF2 (INS-IGF2 readthrough; minus strand). Cytogenetic location: 11p15.5.
Variant type: single nucleotide variant.
Coding change: c.157+5G>A on transcript NM_000612.6 (MANE Select); 5 bases into the intron after coding-DNA position 157, G replaced by A.
Molecular consequence: intron variant.
Genome position (GRCh38, 1-based): chr11:2,135,362, C>T on the plus strand (G>A on the coding strand, the complement: IGF2 is on the minus strand). VCF-style: chr11-2135362-C-T. GRCh37 (hg19) VCF-style: chr11-2156592-C-T.
Other names: c.157+5G>A (NM_001007139.6, NM_001291862.3, NM_001291861.3); c.325+5G>A (NM_001127598.3).
Identifiers: ClinVar variation 2637040 (VCV002637040.2), dbSNP rs2495589617, ClinGen allele CA2580652580.

ClinVar aggregate classification (germline): Pathogenic. Review status: criteria provided, multiple submitters, no conflicts (2 of 4 stars). 2 submissions from 2 submitters: Pathogenic (2). Last evaluated 2023-10-02.

Conditions:
IGF2-related disorder. Also called: IGF2-related condition.

Submissions (2):

GeneDx
Classification: Pathogenic. Last evaluated: 2023-10-02. Review status: criteria provided, single submitter. Criteria: GeneDx Variant Classification Process June 2021. Collection method: clinical testing. Allele origin: germline. Affected: yes.
Comment: Published functional studies demonstrate this variant results in skipping of exon 2 and the loss of the start codon (Xia et al., 2019); Not observed at significant frequency in large population cohorts (gnomAD); This variant is associated with the following publications: (PMID: 31803239)

PreventionGenetics, part of Exact Sciences
Classification: Pathogenic for IGF2-related condition. Last evaluated: 2022-10-10. Review status: criteria provided, single submitter. Criteria: ACMG Guidelines, 2015. Collection method: clinical testing. Allele origin: germline.
Comment: The IGF2 c.157+5G>A variant is predicted to interfere with splicing. This variant has been reported in the De Novo state on the paternal allele in an individual with Silver-Russell Syndrome (Xia et al 2019. PubMed ID: 31803239). In vitro study further showed that this variant led to the skipping of exon 2 and the loss of the AUG initiation codon in the IGF2 gene (Xia et al 2019. PubMed ID: 31803239). This variant has not been reported in a large population database, indicating this variant is rare. This variant is interpreted as pathogenic.